The following is an entry in ClinVar:

ClinVar aggregate classification (germline): Uncertain significance (1 of 4 stars; one submission).

Allele frequency attached by ClinVar (database versions not stated): gnomAD 0.00001 and 0.00002; TOPMed 0.00001; 1000 Genomes Project 30x 0.00016; 1000 Genomes Project 0.00020.
gnomAD v4.1: 40 of 1,611,796 alleles (0.0025%); highest among the groups gnomAD compares: South Asian, 0.03%; no homozygotes.

Submission:

Labcorp Genetics (formerly Invitae), Labcorp
Classification: Uncertain significance. Last evaluated: 2025-08-18. Review status: criteria provided, single submitter. Criteria: Invitae Variant Classification Sherloc (09022015). Collection method: clinical testing. Allele origin: germline.
Comment: This sequence change falls in intron 30 of the DSCAML1 gene. It does not directly change the encoded amino acid sequence of the DSCAML1 protein. It affects a nucleotide within the consensus splice site. This variant is present in population databases (rs545473375, gnomAD 0.03%). This variant has not been reported in the literature in individuals affected with DSCAML1-related conditions. ClinVar contains an entry for this variant (Variation ID: 1435287). Variants that disrupt the consensus splice site are a relatively common cause of aberrant splicing (PMID: 17576681, 9536098). Algorithms developed to predict the effect of sequence changes on RNA splicing suggest that this variant may disrupt the consensus splice site. In summary, the available evidence is currently insufficient to determine the role of this variant in disease. Therefore, it has been classified as a Variant of Uncertain Significance.

Literature cited by the submitters: PubMed 17576681; PubMed 9536098.

NM_020693.4(DSCAML1):c.5179+5G>A

Gene: DSCAML1 (DS cell adhesion molecule like 1; minus strand). Cytogenetic location: 11q23.3.
Variant type: single nucleotide variant.
Coding change: c.5179+5G>A on transcript NM_020693.4 (MANE Select); 5 bases into the intron after coding-DNA position 5179, G replaced by A.
Molecular consequence: intron variant.
Genome position (GRCh38, 1-based): chr11:117,432,347, C>T on the plus strand (G>A on the coding strand, the complement: DSCAML1 is on the minus strand). VCF-style: chr11-117432347-C-T. GRCh37 (hg19) VCF-style: chr11-117303063-C-T.
Identifiers: ClinVar variation 1435287 (VCV001435287.6), dbSNP rs545473375, ClinGen allele CA6296148.